The following is an entry in ClinVar:

NM_004656.4(BAP1):c.1168C>G (p.Pro390Ala)

Gene: BAP1 (BRCA1 associated deubiquitinase 1; minus strand). Cytogenetic location: 3p21.1.
Variant type: single nucleotide variant.
Coding change: c.1168C>G on transcript NM_004656.4 (MANE Select); coding-DNA position 1168, C replaced by G.
Protein change: p.Pro390Ala; replaces proline 390 with alanine.
Molecular consequence: missense variant.
Genome position (GRCh38, 1-based): chr3:52,404,535, G>C on the plus strand (C>G on the coding strand, the complement: BAP1 is on the minus strand). VCF-style: chr3-52404535-G-C. GRCh37 (hg19) VCF-style: chr3-52438551-G-C.
Other names: c.1168C>G (LRG_529t1); short protein forms P390A.
Identifiers: ClinVar variation 485279 (VCV000485279.19), dbSNP rs1425178905, ClinGen allele CA353103242.

ClinVar aggregate classification (germline): Conflicting classifications of pathogenicity. Review status: criteria provided, conflicting classifications (1 of 4 stars). 5 submissions from 5 submitters: Uncertain significance (4); Benign (1). Last evaluated 2025-10-02.

Conditions:
Hereditary cancer-predisposing syndrome. Also called: Neoplastic Syndromes, Hereditary; Tumor predisposition; Hereditary Cancer Syndrome; Hereditary neoplastic syndrome. Identifiers: Orphanet 140162, MedGen C0027672, MeSH D009386, MONDO:0015356.
BAP1-related tumor predisposition syndrome (TPDS1). Also called: Tumor susceptibility linked to germline BAP1 mutations; BAP1 tumor predisposition syndrome; COMMON Syndrome; TUMOR PREDISPOSITION SYNDROME 1. Identifiers: Orphanet 289539, MedGen C3280492, MONDO:0013692, OMIM 614327.

Allele frequency attached by ClinVar (database versions not stated): gnomAD 0.00001.
gnomAD v4.1: 2 of 1,613,954 alleles (0.00012%); highest among the groups gnomAD compares: African/African-American, 0.0013%; no homozygotes.

Submissions (5):

Quest Diagnostics Nichols Institute San Juan Capistrano
Classification: Uncertain significance. Last evaluated: 2025-10-02. Review status: criteria provided, single submitter. Criteria: Quest Diagnostics criteria. Collection method: clinical testing. Allele origin: unknown.
Comment: The BAP1 c.1168C>G (p.Pro390Ala) variant has not been reported in individuals with BAP1-related conditions in the published literature. The frequency of this variant in the general population (Genome Aggregation Database) is uninformative in the assessment of its pathogenicity. Analysis of this variant using bioinformatics tools for the prediction of the effect of amino acid changes on protein structure and function yielded predictions that this variant is benign. Based on the available information, we are unable to determine the clinical significance of this variant.

Ambry Genetics
Classification: Benign for Hereditary cancer-predisposing syndrome. Last evaluated: 2025-08-04. Review status: criteria provided, single submitter. Criteria: Ambry Variant Classification Scheme 2023. Collection method: clinical testing. Allele origin: germline.

Labcorp Genetics (formerly Invitae), Labcorp
Classification: Uncertain significance for BAP1-related tumor predisposition syndrome. Last evaluated: 2025-07-02. Review status: criteria provided, single submitter. Criteria: Invitae Variant Classification Sherloc (09022015). Collection method: clinical testing. Allele origin: germline.
Comment: This sequence change replaces proline, which is neutral and non-polar, with alanine, which is neutral and non-polar, at codon 390 of the BAP1 protein (p.Pro390Ala). This variant is not present in population databases (gnomAD no frequency). This variant has not been reported in the literature in individuals affected with BAP1-related conditions. ClinVar contains an entry for this variant (Variation ID: 485279). Invitae Evidence Modeling of protein sequence and biophysical properties (such as structural, functional, and spatial information, amino acid conservation, physicochemical variation, residue mobility, and thermodynamic stability) indicates that this missense variant is not expected to disrupt BAP1 protein function with a negative predictive value of 80%. In summary, the available evidence is currently insufficient to determine the role of this variant in disease. Therefore, it has been classified as a Variant of Uncertain Significance.

GeneDx
Classification: Uncertain significance. Last evaluated: 2024-08-06. Review status: criteria provided, single submitter. Criteria: GeneDx Variant Classification Process June 2021. Collection method: clinical testing. Allele origin: germline. Affected: yes.
Comment: Not observed at significant frequency in large population cohorts (gnomAD); In silico analysis indicates that this missense variant does not alter protein structure/function; Has not been previously published as pathogenic or benign to our knowledge

Color Diagnostics, LLC DBA Color Health
Classification: Uncertain significance for Hereditary cancer-predisposing syndrome. Last evaluated: 2023-12-05. Review status: criteria provided, single submitter. Criteria: ACMG Guidelines, 2015. Collection method: clinical testing. Allele origin: germline.
Comment: This missense variant replaces proline with alanine at codon 390 of the BAP1 protein. Computational prediction suggests that this variant may not impact protein structure and function (internally defined REVEL score threshold <= 0.5, PMID: 27666373). To our knowledge, functional studies have not been reported for this variant. This variant has not been reported in individuals affected with BAP1-related disorders in the literature. This variant has not been identified in the general population by the Genome Aggregation Database (gnomAD). The available evidence is insufficient to determine the role of this variant in disease conclusively. Therefore, this variant is classified as a Variant of Uncertain Significance.

Literature cited by the submitters: PubMed 38969833 (cited by Ambry Genetics).